The following is an entry in ClinVar:

ClinVar aggregate classification (germline): Conflicting classifications of pathogenicity. Review status: criteria provided, conflicting classifications (1 of 4 stars). 2 submissions from 2 submitters: Uncertain significance (1); Likely benign (1). Last evaluated 2024-02-24.

Conditions:
Hereditary cancer-predisposing syndrome. Also called: Hereditary Cancer Syndrome; Tumor predisposition; Hereditary neoplastic syndrome; Neoplastic Syndromes, Hereditary. Identifiers: Orphanet 140162, MedGen C0027672, MeSH D009386, MONDO:0015356.
Hereditary breast ovarian cancer syndrome. Also called: Hereditary breast and/or ovarian cancer syndrome; Hereditary breast and ovarian cancer syndrome; Hereditary breast and ovarian cancer syndrome (HBOC); Breast and ovarian cancer; Hereditary breast and ovarian cancer; BRCA1- and BRCA2-Associated Hereditary Breast and Ovarian Cancer. Identifiers: Orphanet 145, MedGen C0677776, MeSH D061325, MONDO:0003582. Disease mechanism: loss of function.

Submissions (2):

Labcorp Genetics (formerly Invitae), Labcorp
Classification: Uncertain significance for Hereditary breast ovarian cancer syndrome. Last evaluated: 2024-02-24. Review status: criteria provided, single submitter. Criteria: Invitae Variant Classification Sherloc (09022015). Collection method: clinical testing. Allele origin: germline.
Comment: This sequence change replaces glutamine, which is neutral and polar, with arginine, which is basic and polar, at codon 1138 of the BRCA2 protein (p.Gln1138Arg). This variant is not present in population databases (gnomAD no frequency). This variant has not been reported in the literature in individuals affected with BRCA2-related conditions. ClinVar contains an entry for this variant (Variation ID: 1054418). Advanced modeling of protein sequence and biophysical properties (such as structural, functional, and spatial information, amino acid conservation, physicochemical variation, residue mobility, and thermodynamic stability) performed at Invitae indicates that this missense variant is not expected to disrupt BRCA2 protein function with a negative predictive value of 95%. In summary, the available evidence is currently insufficient to determine the role of this variant in disease. Therefore, it has been classified as a Variant of Uncertain Significance.

University of Washington Department of Laboratory Medicine, University of Washington
Classification: Likely benign for Hereditary cancer-predisposing syndrome. Last evaluated: 2023-03-23. Review status: criteria provided, single submitter. Criteria: Dines et al. (Genet Med. 2020). Collection method: curation. Allele origin: germline.
Comment: Missense variant in a coldspot region where missense variants are very unlikely to be pathogenic (PMID:31911673).

BRCA2 exon 11 coldspot. Reclassification based on statistical prior probability.

NM_000059.4(BRCA2):c.3413A>G (p.Gln1138Arg)

Gene: BRCA2 (BRCA2 DNA repair associated; plus strand). Cytogenetic location: 13q13.1.
Variant type: single nucleotide variant.
Coding change: c.3413A>G on transcript NM_000059.4 (MANE Select); coding-DNA position 3413, A replaced by G.
Protein change: p.Gln1138Arg; replaces glutamine 1138 with arginine.
Molecular consequence: missense variant.
Genome position (GRCh38, 1-based): chr13:32,337,768, A>G. VCF-style: chr13-32337768-A-G. GRCh37 (hg19) VCF-style: chr13-32911905-A-G.
Other names: short protein forms Q1138R.
Identifiers: ClinVar variation 1054418 (VCV001054418.10), dbSNP rs80358584, ClinGen allele CA387776495.